The following is an entry in ClinVar:

ClinVar aggregate classification (germline): Conflicting classifications of pathogenicity. Review status: criteria provided, conflicting classifications (1 of 4 stars). 13 submissions from 13 submitters: Likely pathogenic (8); Uncertain significance (3). 2 of the submissions do not count toward it. Last evaluated 2026-09-26.

Conditions:
DHCR7-related disorder. Also called: DHCR7-related condition.
Smith-Lemli-Opitz syndrome (SLOS). Also called: LETHAL ACRODYSGENITAL SYNDROME; POLYDACTYLY, SEX REVERSAL, RENAL HYPOPLASIA, AND UNILOBAR LUNG; RSH SYNDROME; RUTLEDGE LETHAL MULTIPLE CONGENITAL ANOMALY SYNDROME; 7-Dehydrocholesterol reductase deficiency. Identifiers: Orphanet 818, MedGen C0175694, MONDO:0010035, OMIM 270400.

Allele frequency attached by ClinVar (database versions not stated): ESP Exome Variant Server 0.00008; TOPMed 0.00002.
gnomAD v4.1: 54 of 1,613,950 alleles (0.0033%); highest among the groups gnomAD compares: Middle Eastern, 0.033%; 1 homozygote.

Submissions (13):

GeneDx
Classification: Likely pathogenic. Last evaluated: 2026-09-26. Review status: criteria provided, single submitter. Criteria: GeneDx Variant Classification Process June 2021. Collection method: clinical testing. Allele origin: germline.
Comment: Reported in the literature as a heterozygous variant in two patients with Smith-Lemli-Opitz syndrome and another identified variant in the DHCR7 gene (phase unknown) (PMID: 28349652, 22438180); Not observed at significant frequency in large population cohorts (gnomAD); In silico analysis supports that this missense variant has a deleterious effect on protein structure/function; This variant is associated with the following publications: (PMID: 22438180, 30586318, 28349652, 41751549, 42074219)

Illumina Laboratory Services, Illumina
Classification: Likely pathogenic for Smith-Lemli-Opitz syndrome. Last evaluated: 2026-08-10. Review status: criteria provided, single submitter. Criteria: ISL SNV Classification Criteria 03 February 2026. Collection method: clinical testing. Allele origin: unknown.
Comment: The DHCR7 c.91C>T (p.Arg31Cys) missense variant has been observed in a compound heterozygous state in individuals with a phenotype consistent with Smith-Lemli-Opitz syndrome (PMID: 22438180; 28349652; 30586318). This variant is not observed at a significant frequency in version 4.1.1 of the Genome Aggregation Database. Multiple lines of computational evidence suggest the variant may impact the gene or gene product. Based on the available evidence, this variant is classified as likely pathogenic for Smith-Lemli-Opitz syndrome.

Myriad Genetics, Inc.
Classification: Uncertain significance for Smith-Lemli-Opitz syndrome. Last evaluated: 2026-05-07. Review status: criteria provided, single submitter. Criteria: Myriad Autosomal Dominant, Autosomal Recessive and X-Linked Classification Criteria (2023). Collection method: clinical testing. Allele origin: unknown.
Comment: NM_001360.2(DHCR7):c.91C>T(R31C) is a missense variant classified as a variant of uncertain significance in the context of Smith-Lemli-Opitz syndrome. R31C has been observed in a case with relevant disease (PMID: 22438180). Relevant functional assessments of this variant are not available in the literature. R31C has been observed in referenced population frequency databases. In summary, there is insufficient evidence to classify NM_001360.2(DHCR7):c.91C>T(R31C) as pathogenic or benign. Please note: this variant was assessed in the context of healthy population screening.

Natera, Inc.
Classification: Likely pathogenic for Smith-Lemli-Opitz syndrome. Last evaluated: 2025-11-15. Review status: criteria provided, single submitter. Criteria: Natera Variant Classification Schema (03/2026). Collection method: clinical testing. Allele origin: germline.
Comment: The c.91C>T variant in DHCR7 is a missense variant predicted to cause substitution of arginine to cysteine at amino acid 31. This variant is rare in the general population with a frequency below the threshold expected for the associated phenotype(s). This variant has been observed in one or more individuals affected with the associated recessive disease, as either homozygous or compound heterozygous with a second variant (PMID: 22438180, 30586318). This variant has been identified in one or more affected individual with a phenotype highly consistent with the associated gene (PMID: 30586318). Computational prediction algorithms indicate this variant is likely to affect gene or protein function. Given the available evidence, this variant is classified as Likely Pathogenic.

Women's Health and Genetics/Laboratory Corporation of America, LabCorp
Classification: Likely pathogenic for Smith-Lemli-Opitz syndrome. Last evaluated: 2025-08-22. Review status: criteria provided, single submitter. Criteria: LabCorp Variant Classification Summary - May 2015. Collection method: clinical testing. Allele origin: germline.
Comment: Variant summary: DHCR7 c.91C>T (p.Arg31Cys) results in a non-conservative amino acid change in the encoded protein sequence. Algorithms developed to predict the effect of missense changes on protein structure and function all suggest that this variant is likely to be disruptive. The variant allele was found at a frequency of 2e-05 in 251494 control chromosomes. c.91C>T has been reported in the literature in individuals affected with Smith-Lemli-Opitz Syndrome and Nephropathy (example: Nowaczyk_2012, Groopman_2019). These data indicate that the variant may be associated with disease. To our knowledge, no experimental evidence demonstrating an impact on protein function has been reported. The following publications have been ascertained in the context of this evaluation (PMID: 28349652, 22438180, 30586318). ClinVar contains an entry for this variant (Variation ID: 281489). Based on the evidence outlined above, the variant was classified as likely pathogenic.

Labcorp Genetics (formerly Invitae), Labcorp
Classification: Likely pathogenic for Smith-Lemli-Opitz syndrome. Last evaluated: 2025-07-20. Review status: criteria provided, single submitter. Criteria: Invitae Variant Classification Sherloc (09022015). Collection method: clinical testing. Allele origin: germline.
Comment: This sequence change replaces arginine, which is basic and polar, with cysteine, which is neutral and slightly polar, at codon 31 of the DHCR7 protein (p.Arg31Cys). This variant is present in population databases (rs367585401, gnomAD 0.004%). This missense change has been observed in individual(s) with nephropathy and/or Smith-Lemli-Opitz syndrome (PMID: 22438180, 28349652, 30586318). ClinVar contains an entry for this variant (Variation ID: 281489). Invitae Evidence Modeling of protein sequence and biophysical properties (such as structural, functional, and spatial information, amino acid conservation, physicochemical variation, residue mobility, and thermodynamic stability) indicates that this missense variant is expected to disrupt DHCR7 protein function with a positive predictive value of 95%. In summary, the currently available evidence indicates that the variant is pathogenic, but additional data are needed to prove that conclusively. Therefore, this variant has been classified as Likely Pathogenic.

PreventionGenetics, part of Exact Sciences
Classification: Uncertain significance for DHCR7-related condition. Last evaluated: 2025-06-23. Review status: criteria provided, single submitter. Criteria: ACMG Guidelines, 2015. Collection method: clinical testing. Allele origin: germline.
Comment: The DHCR7 c.91C>T variant is predicted to result in the amino acid substitution p.Arg31Cys. This variant was reported with a second DHCR7 variant in individuals with Smith-Lemli-Opitz syndrome (Nowaczyk et al. 2012. PubMed ID: 22438180; Groopman et al. 2018. PubMed ID: 30586318). This variant is reported in 0.0035% of alleles in individuals of European (Non-Finnish) descent in gnomAD. Although we suspect that this variant may be pathogenic, at this time, the clinical significance of this variant is uncertain due to the absence of conclusive functional and genetic evidence.

First Genomix Gene Laboratory, Genetic Diagnostics Department
Classification: Likely pathogenic for Smith-Lemli-Opitz syndrome. Last evaluated: 2025-06-16. Review status: criteria provided, single submitter. Criteria: ACMG Guidelines, 2015. Collection method: clinical testing. Allele origin: germline. Inheritance: Autosomal recessive inheritance. Affected: no. Observed: 1 variant allele.

North West Genomic Laboratory Hub, Manchester University NHS Foundation Trust
Classification: Likely pathogenic for Smith-Lemli-Opitz syndrome. Last evaluated: 2025-06-12. Review status: criteria provided, single submitter. Criteria: ACGS Best Practice Guidelines for Variant Classification in Rare Disease 2024. Collection method: clinical testing. Allele origin: germline. Affected: yes.
Comment: PP4_Str PM3_Mod PP3_Supp PM2_Supp

Fulgent Genetics
Classification: Likely pathogenic for Smith-Lemli-Opitz syndrome. Last evaluated: 2024-02-29. Review status: criteria provided, single submitter. Criteria: ACMG Guidelines, 2015. Collection method: clinical testing. Allele origin: germline.

Blueprint Genetics
Classification: Uncertain significance. Last evaluated: 2024-01-02. Review status: criteria provided, single submitter. Criteria: ACMG Guidelines, 2015. Collection method: clinical testing. Allele origin: germline.

Gharavi Laboratory, Columbia University
Classification: Likely pathogenic. Last evaluated: 2018-09-16. Review status: no assertion criteria provided. Criteria: ACMG Guidelines, 2015. Collection method: research. Allele origin: germline. Affected: yes. Not counted in ClinVar's aggregate classification.

Eurofins Ntd Llc (ga)
Classification: Uncertain significance. Last evaluated: 2015-06-15. Review status: flagged submission. Criteria: EGL Classification Definitions 2015. Collection method: clinical testing. Allele origin: germline. Observed: 1 variant allele, 1 heterozygote. Not counted in ClinVar's aggregate classification.
ClinVar note: Reason: Older and outlier claim with insufficient supporting evidence

Literature cited by the submitters: PubMed 22438180 (cited by 5 submitters); PubMed 28349652 (cited by 3 submitters); PubMed 30586318 (cited by 4 submitters).

NM_001360.3(DHCR7):c.91C>T (p.Arg31Cys)

Gene: DHCR7 (7-dehydrocholesterol reductase; minus strand). Cytogenetic location: 11q13.4.
Variant type: single nucleotide variant.
Coding change: c.91C>T on transcript NM_001360.3 (MANE Select); coding-DNA position 91, C replaced by T.
Protein change: p.Arg31Cys; replaces arginine 31 with cysteine.
Molecular consequence: missense variant.
Genome position (GRCh38, 1-based): chr11:71,444,862, G>A on the plus strand (C>T on the coding strand, the complement: DHCR7 is on the minus strand). VCF-style: chr11-71444862-G-A. GRCh37 (hg19) VCF-style: chr11-71155908-G-A.
Other names: c.91C>T, p.Arg31Cys (NM_001163817.2); short protein forms R31C.
Identifiers: ClinVar variation 281489 (VCV000281489.27), dbSNP rs367585401, ClinGen allele CA6162709.
Genomic context (GRCh38, chr11:71,444,862, plus strand): 5'-AGCTCTGAGACCACACTTTACTTTCTAGCTGGGAGAACAGGCAAGATCCTTACCAGGCAC[G>A]GCCCCACTGCCCTTGAGATGCGGTTCTGTCATTGGTGACGCCATCTAGACTCTTGGCTTT-3'
Protein context (NP_001351.2, residues 21-41): DRTASQGQWG[Arg31Cys]AWEVDWFSLA